The following is an entry in ClinVar:

NM_002230.4(JUP):c.486G>A (p.Ala162=)

Gene: JUP (junction plakoglobin; minus strand). Cytogenetic location: 17q21.2.
Variant type: single nucleotide variant.
Coding change: c.486G>A on transcript NM_002230.4 (MANE Select); coding-DNA position 486, G replaced by A.
Protein change: p.Ala162=; no amino-acid change (alanine 162 retained).
Molecular consequence: synonymous variant.
Genome position (GRCh38, 1-based): chr17:41,769,190, C>T on the plus strand (G>A on the coding strand, the complement: JUP is on the minus strand). VCF-style: chr17-41769190-C-T. GRCh37 (hg19) VCF-style: chr17-39925442-C-T.
Other names: p.A162A:GCG>GCA; c.486G>A (NM_002230.3); c.486G>A, p.Ala162= (NM_001352773.2, NM_001352774.2, NM_001352775.2 and 3 more transcripts).
Identifiers: ClinVar variation 45852 (VCV000045852.28), dbSNP rs113317262, ClinGen allele CA137218.
Genomic context (GRCh38, chr17:41,769,190, plus strand): 5'-CGAGCCCATCAGGGCCCGCCGCGACGCCTCCTTCTTCGACAGCTGGTTCACAATCATGGC[C>T]GCCTTGGTCACCACCACCTGGAGGGCAAAGGCAGGGGCGGGGACGTGAGCACTAAGGAGA-3'
Protein context (NP_002221.1, residues 152-172): NDEDPVVVTK[Ala162=]AMIVNQLSKK

ClinVar aggregate classification (germline): Conflicting classifications of pathogenicity. Review status: criteria provided, conflicting classifications (1 of 4 stars). 11 submissions from 10 submitters: Uncertain significance (2); Benign (3); Likely benign (4). 2 of the submissions do not count toward it. Last evaluated 2026-02-01.

Conditions:
Cardiovascular phenotype. Identifiers: MedGen CN230736.
Naxos disease (NXD). Also called: KERATOSIS PALMOPLANTARIS WITH ARRHYTHMOGENIC CARDIOMYOPATHY; MAL DE NAXOS; PALMOPLANTAR KERATODERMA WITH ARRHYTHMOGENIC RIGHT VENTRICULAR CARDIOMYOPATHY AND WOOLLY HAIR; WOOLLY HAIR, PALMOPLANTAR KERATODERMA, AND CARDIAC ABNORMALITIES; CARDIOMYOPATHY, ARRHYTHMOGENIC RIGHT VENTRICULAR, WITH SKIN, HAIR, AND NAIL ABNORMALITIES. Identifiers: Orphanet 34217, MedGen C1832600, MONDO:0011017, OMIM 601214.
Arrhythmogenic right ventricular dysplasia 12. Also called: ARRHYTHMOGENIC RIGHT VENTRICULAR DYSPLASIA, FAMILIAL, 12. Identifiers: MedGen C1969081, MONDO:0012684, OMIM 611528.

Allele frequency attached by ClinVar (database versions not stated): TOPMed 0.00022; gnomAD 0.00026; 1000 Genomes Project 30x 0.00031; ESP Exome Variant Server 0.00031; gnomAD exomes 0.00035 and 0.00070; 1000 Genomes Project 0.00040; ExAC 0.00061.
gnomAD v4.1: 584 of 1,601,196 alleles (0.036%); highest among the groups gnomAD compares: Middle Eastern, 0.052%; no homozygotes.

Submissions (11):

Labcorp Genetics (formerly Invitae), Labcorp
Classification: Likely benign for Arrhythmogenic right ventricular dysplasia 12; Naxos disease. Last evaluated: 2026-02-01. Review status: criteria provided, single submitter. Criteria: Invitae Variant Classification Sherloc (09022015). Collection method: clinical testing. Allele origin: germline.

Molecular Diagnostic Laboratory for Inherited Cardiovascular Disease, Montreal Heart Institute
Classification: Likely benign. Last evaluated: 2025-04-09. Review status: criteria provided, single submitter. Criteria: ACMG Guidelines, 2015. Collection method: clinical testing. Allele origin: germline. Affected: no.

Blueprint Genetics
Classification: Likely benign. Last evaluated: 2024-05-13. Review status: criteria provided, single submitter. Criteria: ACMG Guidelines, 2015. Collection method: clinical testing. Allele origin: germline.

Women's Health and Genetics/Laboratory Corporation of America, LabCorp
Classification: Benign. Last evaluated: 2020-04-04. Review status: criteria provided, single submitter. Criteria: LabCorp Variant Classification Summary - May 2015. Collection method: clinical testing. Allele origin: germline.

Illumina Laboratory Services, Illumina
Classification: Uncertain significance for Arrhythmogenic right ventricular dysplasia 12. Last evaluated: 2017-04-27. Review status: criteria provided, single submitter. Criteria: ICSL Variant Classification Criteria 13 December 2019. Collection method: clinical testing. Allele origin: germline.

Illumina Laboratory Services, Illumina
Classification: Uncertain significance for Naxos disease. Last evaluated: 2017-04-27. Review status: criteria provided, single submitter. Criteria: ICSL Variant Classification Criteria 13 December 2019. Collection method: clinical testing. Allele origin: germline.

Ambry Genetics
Classification: Benign for Cardiovascular phenotype. Last evaluated: 2017-01-13. Review status: criteria provided, single submitter. Criteria: Ambry Variant Classification Scheme 2023. Collection method: clinical testing. Allele origin: germline.

GeneDx
Classification: Benign. Last evaluated: 2013-11-04. Review status: criteria provided, single submitter. Criteria: GeneDx Variant Classification (06012015). Collection method: clinical testing. Allele origin: germline. Affected: yes.
Comment: This variant is considered likely benign or benign based on one or more of the following criteria: it is a conservative change, it occurs at a poorly conserved position in the protein, it is predicted to be benign by multiple in silico algorithms, and/or has population frequency not consistent with disease.

Laboratory for Molecular Medicine, Mass General Brigham Personalized Medicine
Classification: Likely benign. Last evaluated: 2011-12-13. Review status: criteria provided, single submitter. Criteria: LMM Criteria. Collection method: clinical testing. Allele origin: germline. Observed: 2 variant alleles.
Comment: Ala162Ala in exon 4 of JUP: This variant is not expected to have clinical signif icance because it does not alter an amino acid residue and is not located within the splice consensus sequence. It has been detected in 4/7016 European American chromosomes from a racially unspecified clinical cohort that included individua ls with heart disease. rs113317262) Ala162Ala in exon 4 of JUP (rs113317262; allele frequency = 4/7016)

Clinical Genetics, Academic Medical Center
Classification: Benign. Review status: no assertion criteria provided. Collection method: clinical testing. Allele origin: germline. Affected: yes. Study: VKGL Data-share Consensus. Not counted in ClinVar's aggregate classification.

Diagnostic Laboratory, Department of Genetics, University Medical Center Groningen
Classification: Likely benign. Review status: no assertion criteria provided. Collection method: clinical testing. Allele origin: germline. Affected: yes. Study: VKGL Data-share Consensus. Not counted in ClinVar's aggregate classification.